The following is an entry in ClinVar:

NM_005861.4(STUB1):c.391T>C (p.Phe131Leu)

Gene: STUB1 (STIP1 homology and U-box containing protein 1; plus strand). Cytogenetic location: 16p13.3.
Variant type: single nucleotide variant.
Coding change: c.391T>C on transcript NM_005861.4 (MANE Select); coding-DNA position 391, T replaced by C.
Protein change: p.Phe131Leu; replaces phenylalanine 131 with leucine.
Molecular consequence: missense variant.
Genome position (GRCh38, 1-based): chr16:681,470, T>C. VCF-style: chr16-681470-T-C. GRCh37 (hg19) VCF-style: chr16-731470-T-C.
Other names: c.175T>C, p.Phe59Leu (NM_001293197.2); short protein forms F131L, F59L.
Identifiers: ClinVar variation 1687361 (VCV001687361.1), dbSNP rs2151504534, ClinGen allele CA394112033.

ClinVar aggregate classification (germline): Uncertain significance (1 of 4 stars; one submission).

Conditions:
Autosomal recessive spinocerebellar ataxia 16. Identifiers: Orphanet 412057, MedGen C5190574, MONDO:0014339, OMIM 615768.

Submission:

3billion
Classification: Uncertain significance for Autosomal recessive spinocerebellar ataxia 16. Last evaluated: 2022-05-22. Review status: criteria provided, single submitter. Criteria: ACMG Guidelines, 2015. Collection method: clinical testing. Allele origin: germline. Affected: yes. Observed: 1 homozygote.
Comment: The variant is not observed in the gnomAD v2.1.1 dataset. Missense changes are a common disease-causing mechanism. Therefore, this variant is classified as uncertain significanceaccording to the recommendation of ACMG/AMP guideline.